The following is an entry in ClinVar:

ClinVar aggregate classification (germline): Benign/Likely benign. Review status: criteria provided, multiple submitters, no conflicts (2 of 4 stars). 4 submissions from 4 submitters: Benign (1); Likely benign (3). Last evaluated 2023-10-02.

Conditions:
Tuberous sclerosis syndrome (TSC). Also called: Tuberous Sclerosis Complex; Tuberous sclerosis. Identifiers: Orphanet 805, MedGen C0041341, MONDO:0001734.
Hereditary cancer-predisposing syndrome. Also called: Neoplastic Syndromes, Hereditary; Hereditary Cancer Syndrome; Hereditary neoplastic syndrome; Tumor predisposition. Identifiers: Orphanet 140162, MedGen C0027672, MeSH D009386, MONDO:0015356.
Tuberous sclerosis 1 (TSC1). Identifiers: Orphanet 805, MedGen C1854465, MONDO:0008612, OMIM 191100.

Allele frequency attached by ClinVar (database versions not stated): gnomAD below 0.00001 and 0.00002.
gnomAD v4.1: 5 of 1,614,178 alleles (0.00031%); highest among the groups gnomAD compares: South Asian, 0.0055%; no homozygotes.

Submissions (4):

All of Us Research Program, National Institutes of Health
Classification: Likely benign for Tuberous sclerosis syndrome. Last evaluated: 2023-10-02. Review status: criteria provided, single submitter. Criteria: ACMG Guidelines, 2015. Collection method: clinical testing. Allele origin: germline. Inheritance: Autosomal dominant inheritance. Observed: 1 variant allele, 1 heterozygote.
Comment: This study involves interpretation of variants in research participants for the purpose of population health screening. Participant phenotype was not available at the time of variant classification. Additional details can be found in publication PMID: 35346344, PMCID: PMC8962531

Labcorp Genetics (formerly Invitae), Labcorp
Classification: Likely benign for Tuberous sclerosis 1. Last evaluated: 2023-08-10. Review status: criteria provided, single submitter. Criteria: Invitae Variant Classification Sherloc (09022015). Collection method: clinical testing. Allele origin: germline.

Genome-Nilou Lab
Classification: Benign for Tuberous sclerosis 1. Last evaluated: 2021-11-07. Review status: criteria provided, single submitter. Criteria: ACMG Guidelines, 2015. Collection method: clinical testing. Allele origin: germline. Affected: no.

Ambry Genetics
Classification: Likely benign for Hereditary cancer-predisposing syndrome. Last evaluated: 2019-08-20. Review status: criteria provided, single submitter. Criteria: Ambry Variant Classification Scheme 2023. Collection method: clinical testing. Allele origin: germline.

NM_000368.5(TSC1):c.696A>G (p.Glu232=)

Gene: TSC1 (TSC complex subunit 1; minus strand). Cytogenetic location: 9q34.13.
Variant type: single nucleotide variant.
Coding change: c.696A>G on transcript NM_000368.5 (MANE Select); coding-DNA position 696, A replaced by G.
Protein change: p.Glu232=; no amino-acid change (glutamic acid 232 retained).
Molecular consequence: synonymous variant.
Genome position (GRCh38, 1-based): chr9:132,921,404, T>C on the plus strand (A>G on the coding strand, the complement: TSC1 is on the minus strand). VCF-style: chr9-132921404-T-C. GRCh37 (hg19) VCF-style: chr9-135796791-T-C.
Other names: c.696A>G, p.Glu232= (NM_001162426.2); c.543A>G, p.Glu181= (NM_001162427.2); c.333A>G, p.Glu111= (NM_001362177.2).
Identifiers: ClinVar variation 826730 (VCV000826730.16), dbSNP rs1588345709, ClinGen allele CA467593744.